The following is an entry in ClinVar:

NM_000531.6(OTC):c.87A>G (p.Gln29=)

Gene: OTC (ornithine transcarbamylase; plus strand). Cytogenetic location: Xp11.4.
Variant type: single nucleotide variant.
Coding change: c.87A>G on transcript NM_000531.6 (MANE Select); coding-DNA position 87, A replaced by G.
Protein change: p.Gln29=; no amino-acid change (glutamine 29 retained).
Molecular consequence: synonymous variant.
Genome position (GRCh38, 1-based): chrX:38,367,300, A>G. VCF-style: chrX-38367300-A-G. GRCh37 (hg19) VCF-style: chrX-38226553-A-G.
Identifiers: ClinVar variation 392139 (VCV000392139.1), dbSNP rs1057524369, ClinGen allele CA16608459.
Genomic context (GRCh38, chrX:38,367,300, plus strand): 5'-ATGGGTCTTTTCTGAAATACATATTTCTCCCTTTTAAATCTCTTTTTACAGGTGTGGACA[A>G]CCACTACAAAATAAAGTGCAGCTGAAGGGCCGTGACCTTCTCACTCTAAAAAACTTTACC-3'
Protein context (NP_000522.3, residues 19-39): NFMVRNFRCG[Gln29=]PLQNKVQLKG

ClinVar aggregate classification (germline): Likely benign (1 of 4 stars; one submission).

Submission:

GeneDx
Classification: Likely benign. Last evaluated: 2016-12-21. Review status: criteria provided, single submitter. Criteria: GeneDx Variant Classification (06012015). Collection method: clinical testing. Allele origin: germline. Affected: yes.
Comment: This variant is considered likely benign or benign based on one or more of the following criteria: it is a conservative change, it occurs at a poorly conserved position in the protein, it is predicted to be benign by multiple in silico algorithms, and/or has population frequency not consistent with disease.